The following is an entry in ClinVar:

NM_024580.6(EFL1):c.1474C>G (p.Pro492Ala)

Gene: EFL1 (elongation factor like GTPase 1; minus strand). Cytogenetic location: 15q25.2.
Variant type: single nucleotide variant.
Coding change: c.1474C>G on transcript NM_024580.6 (MANE Select); coding-DNA position 1474, C replaced by G.
Protein change: p.Pro492Ala; replaces proline 492 with alanine.
Molecular consequence: missense variant. On other transcripts: non-coding transcript variant (1).
Genome position (GRCh38, 1-based): chr15:82,219,789, G>C on the plus strand (C>G on the coding strand, the complement: EFL1 is on the minus strand). VCF-style: chr15-82219789-G-C. GRCh37 (hg19) VCF-style: chr15-82512130-G-C.
Other names: c.1321C>G, p.Pro441Ala (NM_001040610.3); c.685C>G, p.Pro229Ala (NM_001322844.2); c.1474C>G, p.Pro492Ala (NM_001322845.2); short protein forms P441A, P229A, P492A.
Identifiers: ClinVar variation 2912495 (VCV002912495.3), dbSNP rs373434157, ClinGen allele CA7697967.
Genomic context (GRCh38, chr15:82,219,789, plus strand): 5'-ACACCCGAGCAAATGCAATAAAAGACTCTTGGTTGTTTTCTTCCTGGAGCACAGGTTTAG[G>C]GGTCATACTTTCCACCTGTTGCTCGTCACCTGACAGAAACAAAAAGATAATTAGTGCCAA-3'
Protein context (NP_078856.4, residues 482-502): GDEQQVESMT[Pro492Ala]KPVLQEENNQ

ClinVar aggregate classification (germline): Uncertain significance (1 of 4 stars; one submission).

gnomAD v4.1: 38 of 1,610,542 alleles (0.0024%); highest among the groups gnomAD compares: African/African-American, 0.043%; no homozygotes.

Submission:

Labcorp Genetics (formerly Invitae), Labcorp
Classification: Uncertain significance. Last evaluated: 2026-02-04. Review status: criteria provided, single submitter. Criteria: Invitae Variant Classification Sherloc (09022015). Collection method: clinical testing. Allele origin: germline.
Comment: This sequence change replaces proline, which is neutral and non-polar, with alanine, which is neutral and non-polar, at codon 492 of the EFL1 protein (p.Pro492Ala). This variant is present in population databases (rs373434157, gnomAD 0.06%). This variant has not been reported in the literature in individuals affected with EFL1-related conditions. ClinVar contains an entry for this variant (Variation ID: 2912495). Invitae Evidence Modeling of protein sequence and biophysical properties (such as structural, functional, and spatial information, amino acid conservation, physicochemical variation, residue mobility, and thermodynamic stability) indicates that this missense variant is not expected to disrupt EFL1 protein function with a negative predictive value of 80%. In summary, the available evidence is currently insufficient to determine the role of this variant in disease. Therefore, it has been classified as a Variant of Uncertain Significance.